The following is an entry in ClinVar:

ClinVar aggregate classification (germline): Benign (1 of 4 stars; one submission).

Conditions:
Quebec platelet disorder (QPD). Also called: BLEEDING DISORDER, PLATELET-TYPE, 5; FACTOR V QUEBEC. Identifiers: Orphanet 220436, MedGen C1866423, MONDO:0011136, OMIM 601709.

Allele frequency attached by ClinVar (database versions not stated): gnomAD exomes 0.00001 and 0.00004; gnomAD 0.00007 and 0.00008; ExAC 0.00003; TOPMed 0.00007; ESP Exome Variant Server 0.00008.
gnomAD v4.1: 31 of 1,609,492 alleles (0.0019%); highest among the groups gnomAD compares: African/African-American, 0.017%; no homozygotes.

Submission:

Illumina Laboratory Services, Illumina
Classification: Benign for Quebec platelet disorder. Last evaluated: 2018-01-12. Review status: criteria provided, single submitter. Criteria: ICSL Variant Classification Criteria 13 December 2019. Collection method: clinical testing. Allele origin: germline.
Comment: This variant was observed in the ICSL laboratory as part of a predisposition screen in an ostensibly healthy population. It had not been previously curated by ICSL or reported in the Human Gene Mutation Database (HGMD: prior to June 1st, 2018), and was therefore a candidate for classification through an automated scoring system. Utilizing variant allele frequency, disease prevalence and penetrance estimates, and inheritance mode, an automated score was calculated to assess if this variant is too frequent to cause the disease. Based on the score and internal cut-off values, a variant classified as benign is not then subjected to further curation. The score for this variant resulted in a classification of benign for this disease.

NM_002658.6(PLAU):c.972C>T (p.Thr324=)

Genes: C10orf55 (chromosome 10 putative open reading frame 55; minus strand), PLAU (plasminogen activator, urokinase; plus strand). Cytogenetic location: 10q22.2.
Variant type: single nucleotide variant.
Coding change: c.972C>T on transcript NM_002658.6 (MANE Select); coding-DNA position 972, C replaced by T.
Protein change: p.Thr324=; no amino-acid change (threonine 324 retained).
Molecular consequence: synonymous variant.
Genome position (GRCh38, 1-based): chr10:73,915,252, C>T. VCF-style: chr10-73915252-C-T. GRCh37 (hg19) VCF-style: chr10-75675010-C-T.
Other names: c.921C>T, p.Thr307= (NM_001145031.3); c.714C>T, p.Thr238= (NM_001319191.2).
Identifiers: ClinVar variation 880408 (VCV000880408.4), dbSNP rs375950656, ClinGen allele CA5562593.